The following is an entry in ClinVar:

ClinVar aggregate classification (germline): Uncertain significance. Review status: criteria provided, multiple submitters, no conflicts (2 of 4 stars). 3 submissions from 3 submitters: Uncertain significance (3). Last evaluated 2025-07-18.

Allele frequency attached by ClinVar (database versions not stated): gnomAD 0.00004; TOPMed 0.00005; ESP Exome Variant Server 0.00008; gnomAD exomes 0.00008 and 0.00010; 1000 Genomes Project 30x 0.00016; ExAC 0.00017; 1000 Genomes Project 0.00020.
gnomAD v4.1: 124 of 1,559,438 alleles (0.008%); highest among the groups gnomAD compares: East Asian, 0.017%; no homozygotes.

Submissions (3):

Athena Diagnostics
Classification: Uncertain significance. Last evaluated: 2025-07-18. Review status: criteria provided, single submitter. Criteria: Athena Diagnostics Criteria. Collection method: clinical testing. Allele origin: unknown.
Comment: Available data are insufficient to determine the clinical significance of the variant at this time. The frequency of this variant in the general population is uninformative in assessment of its pathogenicity. Polyphen and MutationTaster yielded discordant predictions regarding whether this amino acid change is damaging to the protein.

GeneDx
Classification: Uncertain significance. Last evaluated: 2025-04-15. Review status: criteria provided, single submitter. Criteria: GeneDx Variant Classification Process June 2021. Collection method: clinical testing. Allele origin: germline. Affected: yes.
Comment: In silico analysis supports that this missense variant has a deleterious effect on protein structure/function; Has not been previously published as pathogenic or benign to our knowledge

Labcorp Genetics (formerly Invitae), Labcorp
Classification: Uncertain significance. Last evaluated: 2024-10-07. Review status: criteria provided, single submitter. Criteria: Invitae Variant Classification Sherloc (09022015). Collection method: clinical testing. Allele origin: germline.
Comment: This sequence change replaces isoleucine, which is neutral and non-polar, with threonine, which is neutral and polar, at codon 3413 of the HSPG2 protein (p.Ile3413Thr). This variant is present in population databases (rs373422589, gnomAD 0.03%). This variant has not been reported in the literature in individuals affected with HSPG2-related conditions. ClinVar contains an entry for this variant (Variation ID: 1254925). An algorithm developed to predict the effect of missense changes on protein structure and function (PolyPhen-2) suggests that this variant¬†is likely to be tolerated. In summary, the available evidence is currently insufficient to determine the role of this variant in disease. Therefore, it has been classified as a Variant of Uncertain Significance.

NM_005529.7(HSPG2):c.10238T>C (p.Ile3413Thr)

Gene: HSPG2 (heparan sulfate proteoglycan 2; minus strand). Cytogenetic location: 1p36.12.
Variant type: single nucleotide variant.
Coding change: c.10238T>C on transcript NM_005529.7 (MANE Select); coding-DNA position 10238, T replaced by C.
Protein change: p.Ile3413Thr; replaces isoleucine 3413 with threonine.
Molecular consequence: missense variant.
Genome position (GRCh38, 1-based): chr1:21,836,919, A>G on the plus strand (T>C on the coding strand, the complement: HSPG2 is on the minus strand). VCF-style: chr1-21836919-A-G. GRCh37 (hg19) VCF-style: chr1-22163412-A-G.
Other names: c.10241T>C, p.Ile3414Thr (NM_001291860.2); c.10238T>C (NM_005529.6); short protein forms I3413T, I3414T.
Identifiers: ClinVar variation 1254925 (VCV001254925.9), dbSNP rs373422589, ClinGen allele CA670189.